The following is an entry in ClinVar:

ClinVar aggregate classification (germline): Benign/Likely benign. Review status: criteria provided, multiple submitters, no conflicts (2 of 4 stars). 7 submissions from 7 submitters: Benign (4); Likely benign (3). Last evaluated 2026-01-20.

Conditions:
Autosomal dominant nonsyndromic hearing loss 4A. Also called: Deafness, autosomal dominant 4A. Identifiers: Orphanet 90635, MedGen C1833503, MONDO:0010915, OMIM 600652.

Allele frequency attached by ClinVar (database versions not stated): gnomAD 0.00001 and 0.00049; TOPMed 0.00009; gnomAD exomes 0.00095 and 0.00212; ExAC 0.00247; 1000 Genomes Project 30x 0.00281; 1000 Genomes Project 0.00339.
gnomAD v4.1: 1,475 of 1,613,354 alleles (0.091%); highest among the groups gnomAD compares: South Asian, 1.5%; 21 homozygotes.

Submissions (7):

Labcorp Genetics (formerly Invitae), Labcorp
Classification: Benign. Last evaluated: 2026-01-20. Review status: criteria provided, single submitter. Criteria: Invitae Variant Classification Sherloc (09022015). Collection method: clinical testing. Allele origin: germline.

Mayo Clinic Laboratories, Mayo Clinic
Classification: Benign. Last evaluated: 2025-05-12. Review status: criteria provided, single submitter. Criteria: ACMG Guidelines, 2015. Collection method: clinical testing. Allele origin: germline. Observed: 1 variant allele.
Comment: BA1

GeneDx
Classification: Likely benign. Last evaluated: 2020-10-30. Review status: criteria provided, single submitter. Criteria: GeneDx Variant Classification Process June 2021. Collection method: clinical testing. Allele origin: germline. Affected: yes.

Illumina Laboratory Services, Illumina
Classification: Benign for Autosomal dominant nonsyndromic hearing loss 4A. Last evaluated: 2018-01-13. Review status: criteria provided, single submitter. Criteria: ICSL Variant Classification Criteria 13 December 2019. Collection method: clinical testing. Allele origin: germline.
Comment: This variant was observed in the ICSL laboratory as part of a predisposition screen in an ostensibly healthy population. It had not been previously curated by ICSL or reported in the Human Gene Mutation Database (HGMD: prior to June 1st, 2018), and was therefore a candidate for classification through an automated scoring system. Utilizing variant allele frequency, disease prevalence and penetrance estimates, and inheritance mode, an automated score was calculated to assess if this variant is too frequent to cause the disease. Based on the score and internal cut-off values, a variant classified as benign is not then subjected to further curation. The score for this variant resulted in a classification of benign for this disease.

Center for Pediatric Genomic Medicine, Children's Mercy Hospital and Clinics
Classification: Likely benign. Last evaluated: 2017-01-24. Review status: criteria provided, single submitter. Criteria: ACMG Guidelines, 2015. Collection method: clinical testing. Allele origin: germline.
ClinVar note: Converted during submission from Likely Benign to Likely benign.

Laboratory for Molecular Medicine, Mass General Brigham Personalized Medicine
Classification: Benign. Last evaluated: 2015-05-12. Review status: criteria provided, single submitter. Criteria: LMM Criteria. Collection method: clinical testing. Allele origin: germline. Observed: 4 variant alleles.

Breakthrough Genomics
Classification: Likely benign. Review status: criteria provided, single submitter. Criteria: ACMG Guidelines, 2015. Collection method: not provided. Allele origin: germline. Inheritance: Autosomal dominant inheritance. Affected: yes.

NM_001145809.2(MYH14):c.1205A>G (p.Asn402Ser)

Gene: MYH14 (myosin heavy chain 14; plus strand). Cytogenetic location: 19q13.33.
Variant type: single nucleotide variant.
Coding change: c.1205A>G on transcript NM_001145809.2 (MANE Select); coding-DNA position 1205, A replaced by G.
Protein change: p.Asn402Ser; replaces asparagine 402 with serine.
Molecular consequence: missense variant.
Genome position (GRCh38, 1-based): chr19:50,244,332, A>G. VCF-style: chr19-50244332-A-G. GRCh37 (hg19) VCF-style: chr19-50747589-A-G.
Other names: p.Asn394Ser; c.1205A>G, p.Asn402Ser (NM_001077186.2); c.1181A>G, p.Asn394Ser (NM_024729.4); short protein forms N402S, N394S.
Identifiers: ClinVar variation 164171 (VCV000164171.23), dbSNP rs537153044, ClinGen allele CA176883.